The following is an entry in ClinVar:

ClinVar aggregate classification (germline): Uncertain significance (1 of 4 stars; one submission).

Conditions:
Myopathy, centronuclear, 5 (CNM5). Identifiers: Orphanet 169186, MedGen C4014814, MONDO:0014418, OMIM 615959.

gnomAD v4.1: 5 of 1,609,580 alleles (0.00031%); highest among the groups gnomAD compares: East Asian, 0.0022%; no homozygotes.

Submission:

Neuberg Centre For Genomic Medicine, NCGM
Classification: Uncertain significance for Myopathy, centronuclear, 5. Review status: criteria provided, single submitter. Criteria: ACMG Guidelines, 2015. Collection method: clinical testing. Allele origin: germline. Inheritance: Autosomal recessive inheritance. Affected: yes.
Comment: The missense c.5708G>A (p.Arg1903Gln) variant in SPEG gene has not been reported previously as a pathogenic variant nor as a benign variant, to our knowledge. The p.Arg1903Gln variant is present with allele frequency of 0.0004% in gnomAD Exomes. This variant has not been submitted to the ClinVar database. Computational evidence (Polyphen - Probably Damaging, SIFT - Damaging and MutationTaster - Polymorphism) predicts conflicting evidence on protein structure and function for this variant. The reference amino acid at this position in SPEG is predicted as conserved by GERP++ and PhyloP across 100 vertebrates. The amino acid Arg at position 1903 is changed to a Gln changing protein sequence and it might alter its composition and physico-chemical properties. For these reasons, this variant has been classified as a Variant of Uncertain Significance (VUS).

NM_005876.5(SPEG):c.5708G>A (p.Arg1903Gln)

Genes: ASIC4-AS1 (ASIC4 antisense RNA 1; minus strand), SPEG (striated muscle enriched protein kinase; plus strand). Cytogenetic location: 2q35.
Variant type: single nucleotide variant.
Coding change: c.5708G>A on transcript NM_005876.5 (MANE Select); coding-DNA position 5708, G replaced by A.
Protein change: p.Arg1903Gln; replaces arginine 1903 with glutamine.
Molecular consequence: missense variant.
Genome position (GRCh38, 1-based): chr2:219,483,171, G>A. VCF-style: chr2-219483171-G-A. GRCh37 (hg19) VCF-style: chr2-220347893-G-A.
Other names: short protein forms R1903Q.
Identifiers: ClinVar variation 3731327 (VCV003731327.1).